The following is an entry in ClinVar:

NM_001288705.3(CSF1R):c.946G>A (p.Gly316Arg)

Gene: CSF1R (colony stimulating factor 1 receptor; minus strand). Cytogenetic location: 5q32.
Variant type: single nucleotide variant.
Coding change: c.946G>A on transcript NM_001288705.3 (MANE Select); coding-DNA position 946, G replaced by A.
Protein change: p.Gly316Arg; replaces glycine 316 with arginine.
Molecular consequence: missense variant. On other transcripts: non-coding transcript variant (2).
Genome position (GRCh38, 1-based): chr5:150,073,437, C>T on the plus strand (G>A on the coding strand, the complement: CSF1R is on the minus strand). VCF-style: chr5-150073437-C-T. GRCh37 (hg19) VCF-style: chr5-149453000-C-T.
Other names: c.946G>A, p.Gly316Arg (NM_001349736.2, NM_001375320.1, NM_005211.4); c.502G>A, p.Gly168Arg (NM_001375321.1); short protein forms G316R, G168R.
Identifiers: ClinVar variation 4769970 (VCV004769970.1).

ClinVar aggregate classification (germline): Uncertain significance (1 of 4 stars; one submission).

gnomAD v4.1: 4 of 1,614,130 alleles (0.00025%); highest among the groups gnomAD compares: South Asian, 0.0044%; no homozygotes.

Submission:

Labcorp Genetics (formerly Invitae), Labcorp
Classification: Uncertain significance. Last evaluated: 2025-07-27. Review status: criteria provided, single submitter. Criteria: Invitae Variant Classification Sherloc (09022015). Collection method: clinical testing. Allele origin: germline.
Comment: This sequence change replaces glycine, which is neutral and non-polar, with arginine, which is basic and polar, at codon 316 of the CSF1R protein (p.Gly316Arg). This variant is present in population databases (rs760509901, gnomAD 0.003%). This variant has not been reported in the literature in individuals affected with CSF1R-related conditions. Invitae Evidence Modeling of protein sequence and biophysical properties (such as structural, functional, and spatial information, amino acid conservation, physicochemical variation, residue mobility, and thermodynamic stability) indicates that this missense variant is not expected to disrupt CSF1R protein function with a negative predictive value of 95%. In summary, the available evidence is currently insufficient to determine the role of this variant in disease. Therefore, it has been classified as a Variant of Uncertain Significance.